The following is an entry in ClinVar:

ClinVar aggregate classification (germline): Uncertain significance (1 of 4 stars; one submission).

Conditions:
Naxos disease (NXD). Also called: KERATOSIS PALMOPLANTARIS WITH ARRHYTHMOGENIC CARDIOMYOPATHY; MAL DE NAXOS; PALMOPLANTAR KERATODERMA WITH ARRHYTHMOGENIC RIGHT VENTRICULAR CARDIOMYOPATHY AND WOOLLY HAIR; WOOLLY HAIR, PALMOPLANTAR KERATODERMA, AND CARDIAC ABNORMALITIES; CARDIOMYOPATHY, ARRHYTHMOGENIC RIGHT VENTRICULAR, WITH SKIN, HAIR, AND NAIL ABNORMALITIES. Identifiers: Orphanet 34217, MedGen C1832600, MONDO:0011017, OMIM 601214.
Arrhythmogenic right ventricular dysplasia 12. Also called: ARRHYTHMOGENIC RIGHT VENTRICULAR DYSPLASIA, FAMILIAL, 12. Identifiers: MedGen C1969081, MONDO:0012684, OMIM 611528.

Allele frequency attached by ClinVar (database versions not stated): ExAC 0.00001.
gnomAD v4.1: 2 of 1,614,144 alleles (0.00012%); highest among the groups gnomAD compares: Non-Finnish European, 0.00017%; no homozygotes.

Submission:

Labcorp Genetics (formerly Invitae), Labcorp
Classification: Uncertain significance for Arrhythmogenic right ventricular dysplasia 12; Naxos disease. Last evaluated: 2023-06-15. Review status: criteria provided, single submitter. Criteria: Invitae Variant Classification Sherloc (09022015). Collection method: clinical testing. Allele origin: germline.
Comment: This sequence change replaces leucine, which is neutral and non-polar, with phenylalanine, which is neutral and non-polar, at codon 462 of the JUP protein (p.Leu462Phe). This variant is present in population databases (rs782643399, gnomAD 0.0009%). This variant has not been reported in the literature in individuals affected with JUP-related conditions. An algorithm developed to predict the effect of missense changes on protein structure and function (PolyPhen-2) suggests that this variant is likely to be disruptive. In summary, the available evidence is currently insufficient to determine the role of this variant in disease. Therefore, it has been classified as a Variant of Uncertain Significance.

NM_002230.4(JUP):c.1384C>T (p.Leu462Phe)

Gene: JUP (junction plakoglobin; minus strand). Cytogenetic location: 17q21.2.
Variant type: single nucleotide variant.
Coding change: c.1384C>T on transcript NM_002230.4 (MANE Select); coding-DNA position 1384, C replaced by T.
Protein change: p.Leu462Phe; replaces leucine 462 with phenylalanine.
Molecular consequence: missense variant.
Genome position (GRCh38, 1-based): chr17:41,763,096, G>A on the plus strand (C>T on the coding strand, the complement: JUP is on the minus strand). VCF-style: chr17-41763096-G-A. GRCh37 (hg19) VCF-style: chr17-39919348-G-A.
Other names: c.1384C>T, p.Leu462Phe (NM_001352773.2, NM_001352774.2, NM_001352775.2 and 3 more transcripts); short protein forms L462F.
Identifiers: ClinVar variation 2937588 (VCV002937588.3), dbSNP rs782643399, ClinGen allele CA8565220.